The following is an entry in ClinVar:

ClinVar aggregate classification (germline): Likely benign. Review status: criteria provided, multiple submitters, no conflicts (2 of 4 stars). 2 submissions from 2 submitters: Likely benign (2). Last evaluated 2024-04-25.

Conditions:
Hypertrophic cardiomyopathy. Also called: HYPERTROPHIC MYOCARDIOPATHY. Identifiers: Orphanet 217569, MedGen C0007194, MeSH D002312, MONDO:0005045, HP:0001639.

Allele frequency attached by ClinVar (database versions not stated): gnomAD exomes below 0.00001.
gnomAD v4.1: 2 of 1,572,472 alleles (0.00013%); highest among the groups gnomAD compares: Non-Finnish European, 0.00017%; no homozygotes.

Submissions (2):

All of Us Research Program, National Institutes of Health
Classification: Likely benign for Hypertrophic cardiomyopathy. Last evaluated: 2024-04-25. Review status: criteria provided, single submitter. Criteria: ACMG Guidelines, 2015. Collection method: clinical testing. Allele origin: germline. Inheritance: Autosomal dominant inheritance. Observed: 1 variant allele, 1 heterozygote.
Comment: This study involves interpretation of variants in research participants for the purpose of population health screening. Participant phenotype was not available at the time of variant classification. Additional details can be found in publication PMID: 35346344, PMCID: PMC8962531

Labcorp Genetics (formerly Invitae), Labcorp
Classification: Likely benign for Hypertrophic cardiomyopathy. Last evaluated: 2022-04-20. Review status: criteria provided, single submitter. Criteria: Invitae Variant Classification Sherloc (09022015). Collection method: clinical testing. Allele origin: germline.

NM_000256.3(MYBPC3):c.26-13C>T

Gene: MYBPC3 (myosin binding protein C3; minus strand). Cytogenetic location: 11p11.2.
Variant type: single nucleotide variant.
Coding change: c.26-13C>T on transcript NM_000256.3 (MANE Select); 13 bases into the intron before coding-DNA position 26, C replaced by T.
Molecular consequence: intron variant.
Genome position (GRCh38, 1-based): chr11:47,351,518, G>A on the plus strand (C>T on the coding strand, the complement: MYBPC3 is on the minus strand). VCF-style: chr11-47351518-G-A. GRCh37 (hg19) VCF-style: chr11-47373069-G-A.
Identifiers: ClinVar variation 1583837 (VCV001583837.10), dbSNP rs1161603409, ClinGen allele CA2573147280.